The following is an entry in ClinVar:

NM_004924.6(ACTN4):c.65C>T (p.Ala22Val)

Gene: ACTN4 (actinin alpha 4; plus strand). Cytogenetic location: 19q13.2.
Variant type: single nucleotide variant.
Coding change: c.65C>T on transcript NM_004924.6 (MANE Select); coding-DNA position 65, C replaced by T.
Protein change: p.Ala22Val; replaces alanine 22 with valine.
Molecular consequence: missense variant.
Genome position (GRCh38, 1-based): chr19:38,647,810, C>T. VCF-style: chr19-38647810-C-T. GRCh37 (hg19) VCF-style: chr19-39138450-C-T.
Other names: c.65C>T, p.Ala22Val (NM_001322033.2); short protein forms A22V.
Identifiers: ClinVar variation 988136 (VCV000988136.11), dbSNP rs572451257, ClinGen allele CA9417170.

ClinVar aggregate classification (germline): Conflicting classifications of pathogenicity. Review status: criteria provided, conflicting classifications (1 of 4 stars). 3 submissions from 3 submitters: Uncertain significance (1); Benign (1). 1 of the submissions does not count toward it. Last evaluated 2024-10-16.

Conditions:
Nephrotic syndrome. Identifiers: MedGen C0027726, MONDO:0005377, HP:0000100.
Inborn genetic diseases. Identifiers: MedGen C0950123, MeSH D030342.

Allele frequency attached by ClinVar (database versions not stated): ExAC below 0.00001; gnomAD 0.00001; gnomAD exomes 0.00002 and 0.00009; TOPMed 0.00007; 1000 Genomes Project 0.00020; 1000 Genomes Project 30x 0.00031.
gnomAD v4.1: 45 of 1,553,566 alleles (0.0029%); highest among the groups gnomAD compares: Admixed American, 0.031%; no homozygotes.

Submissions (3):

Labcorp Genetics (formerly Invitae), Labcorp
Classification: Benign. Last evaluated: 2024-10-16. Review status: criteria provided, single submitter. Criteria: Invitae Variant Classification Sherloc (09022015). Collection method: clinical testing. Allele origin: germline.

Ambry Genetics
Classification: Uncertain significance for Inborn genetic diseases. Last evaluated: 2022-08-17. Review status: criteria provided, single submitter. Criteria: Ambry Variant Classification Scheme 2023. Collection method: clinical testing. Allele origin: germline.

Sydney Genome Diagnostics, Children's Hospital Westmead
Classification: Uncertain significance for Nephrotic syndrome. Last evaluated: 2014-04-18. Review status: no assertion criteria provided. Collection method: clinical testing. Allele origin: unknown. Affected: yes. Observed: 1 variant allele, 1 heterozygote. Not counted in ClinVar's aggregate classification.
Comment: To our knowledge, this variant has no frequency data and has not been previously reported in the literature to be associated with disease. p.Ala22, is a weakly conserved amino acid (up to 11 species) and there is only a small physicochemical difference between the wild type alanine and mutant valine. In silico analysis (Alamut Visual v2.6) varies regarding this variant; while PolyPhen2 predicts this variant to be possible damaging, SIFT, Align GVGD and Mutation Taster all suggest that this variant is likely to be benign.